The following is an entry in ClinVar:

NM_000632.4(ITGAM):c.986G>A (p.Arg329Gln)

Gene: ITGAM (integrin subunit alpha M; plus strand). Cytogenetic location: 16p11.2.
Variant type: single nucleotide variant.
Coding change: c.986G>A on transcript NM_000632.4 (MANE Select); coding-DNA position 986, G replaced by A.
Protein change: p.Arg329Gln; replaces arginine 329 with glutamine.
Molecular consequence: missense variant.
Genome position (GRCh38, 1-based): chr16:31,275,676, G>A. VCF-style: chr16-31275676-G-A. GRCh37 (hg19) VCF-style: chr16-31286997-G-A.
Other names: c.986G>A, p.Arg329Gln (NM_001145808.2); short protein forms R329Q.
Identifiers: ClinVar variation 3009964 (VCV003009964.3), dbSNP rs773233768, ClinGen allele CA280605645.

ClinVar aggregate classification (germline): Uncertain significance (1 of 4 stars; one submission).

Allele frequency attached by ClinVar (database versions not stated): gnomAD 0.00001; TOPMed 0.00002.
gnomAD v4.1: 3 of 1,613,714 alleles (0.00019%); highest among the groups gnomAD compares: Admixed American, 0.0033%; no homozygotes.

Submission:

Labcorp Genetics (formerly Invitae), Labcorp
Classification: Uncertain significance. Last evaluated: 2023-05-12. Review status: criteria provided, single submitter. Criteria: Invitae Variant Classification Sherloc (09022015). Collection method: clinical testing. Allele origin: germline.
Comment: In summary, the available evidence is currently insufficient to determine the role of this variant in disease. Therefore, it has been classified as a Variant of Uncertain Significance. Algorithms developed to predict the effect of missense changes on protein structure and function output the following: SIFT: "Not Available"; PolyPhen-2: "Benign"; Align-GVGD: "Not Available". The glutamine amino acid residue is found in multiple mammalian species, which suggests that this missense change does not adversely affect protein function. This variant has not been reported in the literature in individuals affected with ITGAM-related conditions. This variant is present in population databases (no rsID available, gnomAD 0.007%). This sequence change replaces arginine, which is basic and polar, with glutamine, which is neutral and polar, at codon 329 of the ITGAM protein (p.Arg329Gln).